The following is an entry in ClinVar:

NM_152641.4(ARID2):c.476A>C (p.Asn159Thr)

Gene: ARID2 (AT-rich interaction domain 2; plus strand). Cytogenetic location: 12q12.
Variant type: single nucleotide variant.
Coding change: c.476A>C on transcript NM_152641.4 (MANE Select); coding-DNA position 476, A replaced by C.
Protein change: p.Asn159Thr; replaces asparagine 159 with threonine.
Molecular consequence: missense variant.
Genome position (GRCh38, 1-based): chr12:45,817,727, A>C. VCF-style: chr12-45817727-A-C. GRCh37 (hg19) VCF-style: chr12-46211510-A-C.
Other names: c.476A>C, p.Asn159Thr (NM_001347839.2); short protein forms N159T.
Identifiers: ClinVar variation 3906603 (VCV003906603.1).

ClinVar aggregate classification (germline): Uncertain significance (1 of 4 stars; one submission).

Submission:

GeneDx
Classification: Uncertain significance. Last evaluated: 2024-12-18. Review status: criteria provided, single submitter. Criteria: GeneDx Variant Classification Process June 2021. Collection method: clinical testing. Allele origin: germline. Affected: yes.
Comment: Not observed at significant frequency in large population cohorts (gnomAD); In silico analysis indicates that this missense variant does not alter protein structure/function; Has not been previously published as pathogenic or benign to our knowledge